The following is an entry in ClinVar:

NM_000260.4(MYO7A):c.2557C>T (p.Arg853Cys)

Gene: MYO7A (myosin VIIA; plus strand). Cytogenetic location: 11q13.5.
Variant type: single nucleotide variant.
Coding change: c.2557C>T on transcript NM_000260.4 (MANE Select); coding-DNA position 2557, C replaced by T.
Protein change: p.Arg853Cys; replaces arginine 853 with cysteine.
Molecular consequence: missense variant.
Genome position (GRCh38, 1-based): chr11:77,179,924, C>T. VCF-style: chr11-77179924-C-T. GRCh37 (hg19) VCF-style: chr11-76890970-C-T.
Other names: c.2557C>T, p.Arg853Cys (NM_001127180.2); c.2524C>T, p.Arg842Cys (NM_001369365.1); c.2557C>T (NM_000260.3); short protein forms R842C, R853C.
Identifiers: ClinVar variation 1333565 (VCV001333565.11), dbSNP rs2135473615, ClinGen allele CA381942010.

ClinVar aggregate classification (germline): Pathogenic/Likely pathogenic. Review status: criteria provided, multiple submitters, no conflicts (2 of 4 stars). 6 submissions from 6 submitters: Pathogenic (5); Likely pathogenic (1). Last evaluated 2024-10-17.

Conditions:
Usher syndrome type 1 (USH1). Also called: RETINITIS PIGMENTOSA AND CONGENITAL DEAFNESS. Identifiers: Orphanet 231169, Orphanet 886, MedGen C1568247, MONDO:0010168, OMIM 276900.
Autosomal dominant nonsyndromic hearing loss 11. Identifiers: Orphanet 90635, MedGen C1832475, MONDO:0011032, OMIM 601317.
Autosomal recessive nonsyndromic hearing loss 2. Also called: DEAFNESS, AUTOSOMAL RECESSIVE 2; NEUROSENSORY NONSYNDROMIC RECESSIVE DEAFNESS 2. Identifiers: Orphanet 90636, MedGen C1838701, MONDO:0010807, OMIM 600060.

Submissions (6):

Labcorp Genetics (formerly Invitae), Labcorp
Classification: Pathogenic. Last evaluated: 2024-10-17. Review status: criteria provided, single submitter. Criteria: Invitae Variant Classification Sherloc (09022015). Collection method: clinical testing. Allele origin: germline.
Comment: This sequence change replaces arginine, which is basic and polar, with cysteine, which is neutral and slightly polar, at codon 853 of the MYO7A protein (p.Arg853Cys). This variant is not present in population databases (gnomAD no frequency). This missense change has been observed in individual(s) with autosomal dominant deafness (PMID: 15300860). It has also been observed to segregate with disease in related individuals. ClinVar contains an entry for this variant (Variation ID: 1333565). Invitae Evidence Modeling of protein sequence and biophysical properties (such as structural, functional, and spatial information, amino acid conservation, physicochemical variation, residue mobility, and thermodynamic stability) indicates that this missense variant is expected to disrupt MYO7A protein function with a positive predictive value of 95%. Experimental studies have shown that this missense change affects MYO7A function (PMID: 15300860). For these reasons, this variant has been classified as Pathogenic.

Fulgent Genetics
Classification: Pathogenic for Usher syndrome type 1; Autosomal recessive nonsyndromic hearing loss 2; Autosomal dominant nonsyndromic hearing loss 11. Last evaluated: 2024-05-05. Review status: criteria provided, single submitter. Criteria: ACMG Guidelines, 2015. Collection method: clinical testing. Allele origin: germline.

Women's Health and Genetics/Laboratory Corporation of America, LabCorp
Classification: Pathogenic for Autosomal dominant nonsyndromic hearing loss 11. Last evaluated: 2024-05-01. Review status: criteria provided, single submitter. Criteria: LabCorp Variant Classification Summary - May 2015. Collection method: clinical testing. Allele origin: germline.
Comment: Variant summary: MYO7A c.2557C>T (p.Arg853Cys) results in a non-conservative amino acid change in the encoded protein sequence. Four of five in-silico tools predict a damaging effect of the variant on protein function. The variant was absent in 1531882 control chromosomes (gnomAD v4.1). c.2557C>T has been reported in the literature in multiple individuals affected with Autosomal Dominant Nonsyndromic Hearing Loss 11 (e.g. Bolz_2004, Shatokhina_2022). These data indicate that the variant is very likely to be associated with disease. At least one publication reports experimental evidence evaluating an impact on protein function, finding that the variant disrupts Ca2+/CaM-dependent vasoconstriction (Bolz_2004). The following publications have been ascertained in the context of this evaluation (PMID: 15300860, 36555390). ClinVar contains an entry for this variant (Variation ID: 1333565). Based on the evidence outlined above, the variant was classified as pathogenic.

GeneDx
Classification: Likely pathogenic. Last evaluated: 2023-05-15. Review status: criteria provided, single submitter. Criteria: GeneDx Variant Classification Process June 2021. Collection method: clinical testing. Allele origin: germline. Affected: yes.
Comment: A different missense change at this residue (p.(R853H)) has been reported as pathogenic in the published literature and at GeneDx in association with autosomal dominant nonsyndromic hearing loss (Sloan-Heggen et al., 2016; Yamamoto et al., 2020; Cruz Marino et al., 2021); Not observed at significant frequency in large population cohorts (gnomAD); In silico analysis supports that this missense variant has a deleterious effect on protein structure/function; This variant is associated with the following publications: (PMID: 15300860, 26969326, 32097363, 34387732)

The Shared Resource Centre "Genome", Research Centre for Medical Genetics
Classification: Pathogenic for Autosomal dominant nonsyndromic hearing loss 11. Last evaluated: 2022-11-10. Review status: criteria provided, single submitter. Criteria: ACMG Guidelines, 2015. Collection method: clinical testing. Allele origin: germline. Affected: yes. Observed: 1 variant allele.

3billion
Classification: Pathogenic for Autosomal dominant nonsyndromic hearing loss 11. Last evaluated: 2022-01-03. Review status: criteria provided, single submitter. Criteria: ACMG Guidelines, 2015. Collection method: clinical testing. Allele origin: germline. Affected: yes. Observed: 1 heterozygote.
Comment: The variant was co-segregated with Deafness, autosomal dominant 11 in multiple affected family members with additional meioses meeting moderate evidence levels (PMID: 15300860, PP1_M). Functional studies provide strong evidence of the variant having a damaging effect on the gene or gene product (PMID: 15300860, PS3_S). A different missense change at the same codon has been reported to be associated with MYO7A related disorder (ClinVar ID: VCV000043186, PMID:26969326, PM5_P). In silico tool predictions suggest damaging effect of the variant on gene or gene product (REVEL: 0.801, 3CNET: 0.926, PP3_P). It is not observed in the gnomAD v2.1.1 dataset (PM2_M). Therefore, this variant is classified as pathogenic according to the recommendation of ACMG/AMP guideline.

Literature cited by the submitters: PubMed 15300860 (cited by 3 submitters); PubMed 36555390 (cited by Women's Health and Genetics/Laboratory Corporation of America, LabCorp); PubMed 26969326 (cited by 3billion).